The following is an entry in ClinVar:

ClinVar aggregate classification (germline): Pathogenic (1 of 4 stars; one submission).

Conditions:
Nephrotic syndrome, type 3 (NPHS3). Also called: NEPHROTIC SYNDROME, EARLY-ONSET, TYPE 3. Identifiers: Orphanet 656, MedGen C1853124, MONDO:0012546, OMIM 610725.

Submission:

Broad Center for Mendelian Genomics, Broad Institute of MIT and Harvard
Classification: Pathogenic for Nephrotic syndrome, type 3. Last evaluated: 2023-08-24. Review status: criteria provided, single submitter. Criteria: ACMG/ClinGen CNV Guidelines, 2019. Collection method: research. Allele origin: inherited. Inheritance: Autosomal recessive inheritance. Affected: yes.
Comment: The patient phenotype is nonspecific, but is consistent with cases described in the literature and/or published databases with overlapping variants. This intragenic variant is predicted to cause a frameshift, which alters the protein’s amino acid sequence beginning at exon 2 and leads to a premature termination codon. This alteration is then predicted to lead to a truncated or absent protein. Loss of function of PLCE1 is an established disease mechanism in autosomal recessive nephrotic syndrome. In summary, this variant meets criteria to be classified as pathogenic for autosomal recessive nephrotic syndrome. The ACMG/ClinGen evidence codes and points used in this curation are as follows: 1: 0 points, 2: 0.9 points, 3: 0 points, 4-5: 0.15 points; Total: 1.05 points; Riggs 2020 (PMID: 31690835).

GRCh38/hg38 10q23.33(chr10:94131004-94133482)x0

Gene: PLCE1 (phospholipase C epsilon 1; plus strand). Cytogenetic location: 10q23.33.
Variant type: copy number loss.
Change: copy number 0 (both copies lost) of chr10:94,131,004-94,133,482 (2.5 kb, GRCh38 coordinates, 1-based), cytogenetic band 10q23.33.
Identifiers: ClinVar variation 2579200 (VCV002579200.1).